The following is an entry in ClinVar:

ClinVar aggregate classification (germline): Pathogenic (1 of 4 stars; one submission).

Submission:

Labcorp Genetics (formerly Invitae), Labcorp
Classification: Pathogenic. Last evaluated: 2025-03-18. Review status: criteria provided, single submitter. Criteria: Invitae Variant Classification Sherloc (09022015). Collection method: clinical testing. Allele origin: germline.
Comment: This sequence change creates a premature translational stop signal (p.Gln3711*) in the KMT2A gene. It is expected to result in an absent or disrupted protein product. Loss-of-function variants in KMT2A are known to be pathogenic (PMID: 22795537, 25810209, 29574747). This variant is not present in population databases (gnomAD no frequency). This variant has not been reported in the literature in individuals affected with KMT2A-related conditions. For these reasons, this variant has been classified as Pathogenic.

Literature cited by the submitters: PubMed 22795537; PubMed 25810209; PubMed 29574747.

NM_001197104.2(KMT2A):c.11131C>T (p.Gln3711Ter)

Genes: KMT2A (lysine methyltransferase 2A; plus strand), TTC36-AS1 (TTC36 and KMT2A antisense RNA 1; minus strand). Cytogenetic location: 11q23.3.
Variant type: single nucleotide variant.
Coding change: c.11131C>T on transcript NM_001197104.2 (MANE Select); coding-DNA position 11131, C replaced by T.
Protein change: p.Gln3711Ter; replaces glutamine 3711 with a stop codon.
Molecular consequence: nonsense. On other transcripts: non-coding transcript variant (1).
Genome position (GRCh38, 1-based): chr11:118,512,010, C>T. VCF-style: chr11-118512010-C-T. GRCh37 (hg19) VCF-style: chr11-118382725-C-T.
Other names: c.11221C>T, p.Gln3741Ter (NM_001412597.1); c.11122C>T, p.Gln3708Ter (NM_005933.4); short protein forms Q3708*, Q3711*, Q3741*.
Identifiers: ClinVar variation 3632685 (VCV003632685.2).